The following is an entry in ClinVar:

NM_032043.3(BRIP1):c.110A>G (p.Asn37Ser)

Gene: BRIP1 (BRCA1 interacting DNA helicase 1; minus strand). Cytogenetic location: 17q23.2.
Variant type: single nucleotide variant.
Coding change: c.110A>G on transcript NM_032043.3 (MANE Select); coding-DNA position 110, A replaced by G.
Protein change: p.Asn37Ser; replaces asparagine 37 with serine.
Molecular consequence: missense variant.
Genome position (GRCh38, 1-based): chr17:61,859,891, T>C on the plus strand (A>G on the coding strand, the complement: BRIP1 is on the minus strand). VCF-style: chr17-61859891-T-C. GRCh37 (hg19) VCF-style: chr17-59937252-T-C.
Other names: short protein forms N37S.
Identifiers: ClinVar variation 231345 (VCV000231345.16), dbSNP rs876659105, ClinGen allele CA10580893.
Genomic context (GRCh38, chr17:61,859,891, plus strand): 5'-AGTAAGGCTAAGCTTTTTCCACTTCCTGTGGGACTCTCCAACAAACAATGTTGCTTGCTG[T>C]TTAATCCTCTGAGAATCTATGAACACAGAAACCAATGAAAATAATAAACATATTAACTTT-3'
Protein context (NP_114432.2, residues 27-47): AMMNSILRGL[Asn37Ser]SKQHCLLESP

ClinVar aggregate classification (germline): Uncertain significance. Review status: criteria provided, multiple submitters, no conflicts (2 of 4 stars). 4 submissions from 4 submitters: Uncertain significance (4). Last evaluated 2025-08-25.

Conditions:
Hereditary cancer-predisposing syndrome. Also called: Hereditary Cancer Syndrome; Neoplastic Syndromes, Hereditary; Tumor predisposition; Hereditary neoplastic syndrome. Identifiers: Orphanet 140162, MedGen C0027672, MeSH D009386, MONDO:0015356.
Fanconi anemia complementation group J. Also called: BRIP1-Related Fanconi Anemia. Identifiers: Orphanet 84, MedGen C1836860, MONDO:0012187, OMIM 609054.
Familial cancer of breast. Also called: Hereditary breast cancer; hereditary breast carcinoma; BREAST CANCER, FAMILIAL. Identifiers: Orphanet 227535, MedGen C0346153, MONDO:0016419, OMIM 114480. Disease mechanism: loss of function.

Allele frequency attached by ClinVar (database versions not stated): gnomAD exomes below 0.00001.

Submissions (4):

Color Diagnostics, LLC DBA Color Health
Classification: Uncertain significance for Hereditary cancer-predisposing syndrome. Last evaluated: 2025-08-25. Review status: criteria provided, single submitter. Criteria: ACMG Guidelines, 2015. Collection method: clinical testing. Allele origin: germline.
Comment: This missense variant replaces asparagine with serine at codon 37 of the BRIP1 protein. Computational prediction suggests that this variant may not impact protein structure and function. To our knowledge, functional studies have not been reported for this variant. In an international breast cancer case-control meta-analysis, this variant was detected in 2/60466 cases and 5/53461 unaffected controls (PMID: 33471991). This variant has been identified in 1/251372 chromosomes in the general population by the Genome Aggregation Database (gnomAD). The available evidence is insufficient to determine the role of this variant in disease conclusively. Therefore, this variant is classified as a Variant of Uncertain Significance.

Labcorp Genetics (formerly Invitae), Labcorp
Classification: Uncertain significance for Familial cancer of breast; Fanconi anemia complementation group J. Last evaluated: 2025-04-11. Review status: criteria provided, single submitter. Criteria: Invitae Variant Classification Sherloc (09022015). Collection method: clinical testing. Allele origin: germline.
Comment: This sequence change replaces asparagine, which is neutral and polar, with serine, which is neutral and polar, at codon 37 of the BRIP1 protein (p.Asn37Ser). This variant is present in population databases (no rsID available, gnomAD 0.006%). This variant has not been reported in the literature in individuals affected with BRIP1-related conditions. ClinVar contains an entry for this variant (Variation ID: 231345). Invitae Evidence Modeling of protein sequence and biophysical properties (such as structural, functional, and spatial information, amino acid conservation, physicochemical variation, residue mobility, and thermodynamic stability) has been performed for this missense variant. However, the output from this modeling did not meet the statistical confidence thresholds required to predict the impact of this variant on BRIP1 protein function. In summary, the available evidence is currently insufficient to determine the role of this variant in disease. Therefore, it has been classified as a Variant of Uncertain Significance.

Ambry Genetics
Classification: Uncertain significance for Hereditary cancer-predisposing syndrome. Last evaluated: 2024-02-06. Review status: criteria provided, single submitter. Criteria: Ambry Variant Classification Scheme 2023. Collection method: clinical testing. Allele origin: germline.
Comment: The p.N37S variant (also known as c.110A>G), located in coding exon 2 of the BRIP1 gene, results from an A to G substitution at nucleotide position 110. The asparagine at codon 37 is replaced by serine, an amino acid with highly similar properties. This variant was reported in 2/60,466 breast cancer cases and in 5/53,461 controls (Dorling et al. N Engl J Med. 2021 02;384:428-439). This amino acid position is highly conserved in available vertebrate species. In addition, this alteration is predicted to be tolerated by in silico analysis. Since supporting evidence is limited at this time, the clinical significance of this alteration remains unclear.

Fulgent Genetics
Classification: Uncertain significance for Familial cancer of breast; Fanconi anemia complementation group J. Last evaluated: 2018-10-31. Review status: criteria provided, single submitter. Criteria: ACMG Guidelines, 2015. Collection method: clinical testing. Allele origin: unknown.

Literature cited by the submitters: PubMed 33471991 (cited by Color Diagnostics, LLC DBA Color Health and Ambry Genetics).